The following is an entry in ClinVar:

ClinVar aggregate classification (germline): Uncertain significance (1 of 4 stars; one submission).

Conditions:
Arrhythmogenic cardiomyopathy with wooly hair and keratoderma. Also called: Carvajal syndrome; PALMOPLANTAR KERATODERMA WITH LEFT VENTRICULAR CARDIOMYOPATHY AND WOOLLY HAIR; Dilated cardiomyopathy with woolly hair and keratoderma; Arrhythmogenic cardiomyopathy with woolly hair and keratoderma. Identifiers: Orphanet 65282, MedGen C1854063, MONDO:0011581, OMIM 605676.
Arrhythmogenic right ventricular dysplasia 8 (ARVD8). Also called: Arrhythmogenic Right Ventricular Dysplasia/Cardiomyopathy 8; ARRHYTHMOGENIC RIGHT VENTRICULAR DYSPLASIA, FAMILIAL, 8; ARRHYTHMOGENIC RIGHT VENTRICULAR CARDIOMYOPATHY 8. Identifiers: MedGen C1843896, MONDO:0011831, OMIM 607450.

Allele frequency attached by ClinVar (database versions not stated): gnomAD exomes below 0.00001; TOPMed 0.00001.

Submission:

Labcorp Genetics (formerly Invitae), Labcorp
Classification: Uncertain significance for Arrhythmogenic cardiomyopathy with wooly hair and keratoderma; Arrhythmogenic right ventricular dysplasia 8. Last evaluated: 2024-10-28. Review status: criteria provided, single submitter. Criteria: Invitae Variant Classification Sherloc (09022015). Collection method: clinical testing. Allele origin: germline.
Comment: This sequence change falls in intron 17 of the DSP gene. It does not directly change the encoded amino acid sequence of the DSP protein. It affects a nucleotide within the consensus splice site. This variant is not present in population databases (gnomAD no frequency). This variant has not been reported in the literature in individuals affected with DSP-related conditions. ClinVar contains an entry for this variant (Variation ID: 2203157). Variants that disrupt the consensus splice site are a relatively common cause of aberrant splicing (PMID: 17576681, 9536098). Algorithms developed to predict the effect of sequence changes on RNA splicing suggest that this variant is not likely to affect RNA splicing. In summary, the available evidence is currently insufficient to determine the role of this variant in disease. Therefore, it has been classified as a Variant of Uncertain Significance.

Literature cited by the submitters: PubMed 17576681; PubMed 9536098.

NM_004415.4(DSP):c.2436+6T>C

Gene: DSP (desmoplakin; plus strand). Cytogenetic location: 6p24.3.
Variant type: single nucleotide variant.
Coding change: c.2436+6T>C on transcript NM_004415.4 (MANE Select); 6 bases into the intron after coding-DNA position 2436, T replaced by C.
Molecular consequence: intron variant.
Genome position (GRCh38, 1-based): chr6:7,574,801, T>C. VCF-style: chr6-7574801-T-C. GRCh37 (hg19) VCF-style: chr6-7575034-T-C.
Other names: c.2436+6T>C (NM_001319034.2, NM_001008844.3).
Identifiers: ClinVar variation 2203157 (VCV002203157.4), dbSNP rs1759184891, ClinGen allele CA1085705754.